The following is an entry in ClinVar:

NM_001365088.1(SLC12A6):c.2808G>A (p.Trp936Ter)

Gene: SLC12A6 (solute carrier family 12 member 6; minus strand). Cytogenetic location: 15q14.
Variant type: single nucleotide variant.
Coding change: c.2808G>A on transcript NM_001365088.1 (MANE Select); coding-DNA position 2808, G replaced by A.
Protein change: p.Trp936Ter; replaces tryptophan 936 with a stop codon.
Molecular consequence: nonsense.
Genome position (GRCh38, 1-based): chr15:34,237,545, C>T on the plus strand (G>A on the coding strand, the complement: SLC12A6 is on the minus strand). VCF-style: chr15-34237545-C-T. GRCh37 (hg19) VCF-style: chr15-34529746-C-T.
Other names: c.2631G>A, p.Trp877Ter (NM_001042494.2, NM_001042495.2); c.2781G>A, p.Trp927Ter (NM_001042496.2); c.2763G>A, p.Trp921Ter (NM_001042497.2); c.2655G>A, p.Trp885Ter (NM_005135.2); c.2808G>A, p.Trp936Ter (NM_133647.2); short protein forms W936*, W885*, W927*, W877*, W921*.
Identifiers: ClinVar variation 2041240 (VCV002041240.4), dbSNP rs2509750248, ClinGen allele CA391618674.

ClinVar aggregate classification (germline): Pathogenic (1 of 4 stars; one submission).

Submission:

Labcorp Genetics (formerly Invitae), Labcorp
Classification: Pathogenic. Last evaluated: 2021-12-13. Review status: criteria provided, single submitter. Criteria: Invitae Variant Classification Sherloc (09022015). Collection method: clinical testing. Allele origin: germline.
Comment: This sequence change creates a premature translational stop signal (p.Trp936*) in the SLC12A6 gene. It is expected to result in an absent or disrupted protein product. Loss-of-function variants in SLC12A6 are known to be pathogenic (PMID: 12368912, 16606917). This variant is not present in population databases (gnomAD no frequency). This variant has not been reported in the literature in individuals affected with SLC12A6-related conditions. For these reasons, this variant has been classified as Pathogenic.

Literature cited by the submitters: PubMed 12368912; PubMed 16606917.